The following is an entry in ClinVar:

NM_000233.4(LHCGR):c.606-5C>T

Genes: LHCGR (luteinizing hormone/choriogonadotropin receptor; minus strand), STON1-GTF2A1L (STON1-GTF2A1L readthrough; plus strand). Cytogenetic location: 2p16.3.
Variant type: single nucleotide variant.
Coding change: c.606-5C>T on transcript NM_000233.4 (MANE Select); 5 bases into the intron before coding-DNA position 606, C replaced by T.
Molecular consequence: intron variant.
Genome position (GRCh38, 1-based): chr2:48,709,027, G>A on the plus strand (C>T on the coding strand, the complement: LHCGR is on the minus strand). VCF-style: chr2-48709027-G-A. GRCh37 (hg19) VCF-style: chr2-48936166-G-A.
Other names: c.3441+37347G>A (NM_001198593.2).
Identifiers: ClinVar variation 336465 (VCV000336465.19), dbSNP rs78135094, ClinGen allele CA1653242.
Genomic context (GRCh38, chr2:48,709,027, plus strand): 5'-CCCCACGGAAGGCTCCATTGTGCATCTTCTCCAGATGTACGTTTTCCTTTAGCTCCCTGT[G>A]GGGAAGGATATTGCCCTTAGTGGAGTTTGTACCTCATGTGTAAGCATTCGTAGCTCCATA-3'

ClinVar aggregate classification (germline): Benign/Likely benign. Review status: criteria provided, multiple submitters, no conflicts (2 of 4 stars). 6 submissions from 5 submitters: Benign (3); Likely benign (2). 1 of the submissions does not count toward it. Last evaluated 2025-05-27.

Conditions:
LHCGR-related disorder. Also called: LHCGR-related condition.
Gonadotropin-independent familial sexual precocity. Also called: Familial male-limited precocious puberty; TESTOTOXICOSIS, FAMILIAL. Identifiers: Orphanet 3000, MedGen C0342549, MONDO:0008303, OMIM 176410.
Leydig cell agenesis. Also called: LEYDIG CELL HYPOPLASIA WITH MALE PSEUDOHERMAPHRODITISM; LEYDIG CELL HYPOPLASIA, COMPLETE; Leydig cell hypoplasia, type 1; HYPERGONADOTROPIC HYPOGONADISM, MALE, DUE TO LHCGR DEFECT. Identifiers: MedGen C0266432, MONDO:0009384, OMIM 238320.

Allele frequency attached by ClinVar (database versions not stated): gnomAD exomes 0.00029 and 0.00069; ExAC 0.00096; 1000 Genomes Project 0.00220; 1000 Genomes Project 30x 0.00234; gnomAD 0.00283 and 0.00306; TOPMed 0.00315; ESP Exome Variant Server 0.00423.
gnomAD v4.1: 864 of 1,612,934 alleles (0.054%); highest among the groups gnomAD compares: African/African-American, 1%; 2 homozygotes.

Submissions (6):

Labcorp Genetics (formerly Invitae), Labcorp
Classification: Benign. Last evaluated: 2025-05-27. Review status: criteria provided, single submitter. Criteria: Invitae Variant Classification Sherloc (09022015). Collection method: clinical testing. Allele origin: germline.

Blueprint Genetics
Classification: Likely benign. Last evaluated: 2024-07-15. Review status: criteria provided, single submitter. Criteria: ACMG Guidelines, 2015. Collection method: clinical testing. Allele origin: germline.

GeneDx
Classification: Likely benign. Last evaluated: 2019-05-10. Review status: criteria provided, single submitter. Criteria: GeneDx Variant Classification Process June 2021. Collection method: clinical testing. Allele origin: germline. Affected: yes.

Illumina Laboratory Services, Illumina
Classification: Benign for Gonadotropin-independent familial sexual precocity. Last evaluated: 2018-01-13. Review status: criteria provided, single submitter. Criteria: ICSL Variant Classification Criteria 13 December 2019. Collection method: clinical testing. Allele origin: germline.
Comment: This variant was observed in the ICSL laboratory as part of a predisposition screen in an ostensibly healthy population. It had not been previously curated by ICSL or reported in the Human Gene Mutation Database (HGMD: prior to June 1st, 2018), and was therefore a candidate for classification through an automated scoring system. Utilizing variant allele frequency, disease prevalence and penetrance estimates, and inheritance mode, an automated score was calculated to assess if this variant is too frequent to cause the disease. Based on the score and internal cut-off values, a variant classified as benign is not then subjected to further curation. The score for this variant resulted in a classification of benign for this disease.

Illumina Laboratory Services, Illumina
Classification: Benign for Leydig cell agenesis. Last evaluated: 2018-01-13. Review status: criteria provided, single submitter. Criteria: ICSL Variant Classification Criteria 13 December 2019. Collection method: clinical testing. Allele origin: germline.
Comment: the same text as in the submission from Illumina Laboratory Services, Illumina above.

PreventionGenetics, part of Exact Sciences
Classification: Benign for LHCGR-related condition. Last evaluated: 2019-05-15. Review status: no assertion criteria provided. Collection method: clinical testing. Allele origin: germline. Not counted in ClinVar's aggregate classification.
Comment: This variant is classified as benign based on ACMG/AMP sequence variant interpretation guidelines (Richards et al. 2015 PMID: 25741868, with internal and published modifications).